The following is an entry in ClinVar:

ClinVar aggregate classification (germline): Uncertain significance (1 of 4 stars; one submission).

Conditions:
Landau-Kleffner syndrome (FESD). Also called: EPILEPSY, FOCAL, WITH SPEECH DISORDER AND WITH OR WITHOUT MENTAL RETARDATION; APHASIA, ACQUIRED, WITH EPILEPSY. Identifiers: Orphanet 1945, Orphanet 725, Orphanet 98818, MedGen C0282512, MONDO:0009509, OMIM 245570.

gnomAD v4.1: 1 of 1,614,198 alleles (0.000062%); highest among the groups gnomAD compares: Non-Finnish European, 0.000085%; no homozygotes.

Submission:

Labcorp Genetics (formerly Invitae), Labcorp
Classification: Uncertain significance for Landau-Kleffner syndrome. Last evaluated: 2022-11-28. Review status: criteria provided, single submitter. Criteria: Invitae Variant Classification Sherloc (09022015). Collection method: clinical testing. Allele origin: germline.
Comment: This sequence change replaces arginine, which is basic and polar, with cysteine, which is neutral and slightly polar, at codon 846 of the GRIN2A protein (p.Arg846Cys). This missense change has been observed in at least one individual who was not affected with GRIN2A-related conditions (Invitae). In summary, the available evidence is currently insufficient to determine the role of this variant in disease. Therefore, it has been classified as a Variant of Uncertain Significance. Advanced modeling of protein sequence and biophysical properties (such as structural, functional, and spatial information, amino acid conservation, physicochemical variation, residue mobility, and thermodynamic stability) performed at Invitae indicates that this missense variant is expected to disrupt GRIN2A protein function. This variant has not been reported in the literature in individuals affected with GRIN2A-related conditions. This variant is not present in population databases (gnomAD no frequency).

NM_001134407.3(GRIN2A):c.2536C>T (p.Arg846Cys)

Gene: GRIN2A (glutamate ionotropic receptor NMDA type subunit 2A; minus strand). Cytogenetic location: 16p13.2.
Variant type: single nucleotide variant.
Coding change: c.2536C>T on transcript NM_001134407.3 (MANE Select); coding-DNA position 2536, C replaced by T.
Protein change: p.Arg846Cys; replaces arginine 846 with cysteine.
Molecular consequence: missense variant.
Genome position (GRCh38, 1-based): chr16:9,768,910, G>A on the plus strand (C>T on the coding strand, the complement: GRIN2A is on the minus strand). VCF-style: chr16-9768910-G-A. GRCh37 (hg19) VCF-style: chr16-9862767-G-A.
Other names: c.2536C>T, p.Arg846Cys (NM_000833.5, NM_001134408.2); short protein forms R846C.
Identifiers: ClinVar variation 2049578 (VCV002049578.4), dbSNP rs1285952756, ClinGen allele CA394709917.